The following is an entry in ClinVar:

NM_001005273.3(CHD3):c.5684G>A (p.Arg1895His)

Gene: CHD3 (chromodomain helicase DNA binding protein 3; plus strand). Cytogenetic location: 17p13.1.
Variant type: single nucleotide variant.
Coding change: c.5684G>A on transcript NM_001005273.3 (MANE Select); coding-DNA position 5684, G replaced by A.
Protein change: p.Arg1895His; replaces arginine 1895 with histidine.
Molecular consequence: missense variant.
Genome position (GRCh38, 1-based): chr17:7,910,521, G>A. VCF-style: chr17-7910521-G-A. GRCh37 (hg19) VCF-style: chr17-7813839-G-A.
Other names: c.5861G>A, p.Arg1954His (NM_001005271.3); c.5582G>A, p.Arg1861His (NM_005852.4); short protein forms R1861H, R1895H, R1954H.
Identifiers: ClinVar variation 2581520 (VCV002581520.1), dbSNP rs1412058339, ClinGen allele CA397950871.

ClinVar aggregate classification (germline): Uncertain significance (1 of 4 stars; one submission).

Allele frequency attached by ClinVar (database versions not stated): TOPMed below 0.00001.

Submission:

Women's Health and Genetics/Laboratory Corporation of America, LabCorp
Classification: Uncertain significance. Last evaluated: 2023-08-07. Review status: criteria provided, single submitter. Criteria: LabCorp Variant Classification Summary - May 2015. Collection method: clinical testing. Allele origin: germline.
Comment: Variant summary: CHD3 c.5684G>A (p.Arg1895His) results in a non-conservative amino acid change in the encoded protein sequence. Five of five in-silico tools predict a damaging effect of the variant on protein function. The variant was absent in 250728 control chromosomes (gnomAD). The available data on variant occurrences in the general population are insufficient to allow any conclusion about variant significance. To our knowledge, no occurrence of c.5684G>A in individuals affected with Snijders Blok-Campeau Syndrome and no experimental evidence demonstrating its impact on protein function have been reported. No submitters have cited clinical-significance assessments for this variant to ClinVar after 2014. Based on the evidence outlined above, the variant was classified as uncertain significance.